The following is an entry in ClinVar:

NM_004369.4(COL6A3):c.7029+271G>A

Gene: COL6A3 (collagen type VI alpha 3 chain; minus strand). Cytogenetic location: 2q37.3.
Variant type: single nucleotide variant.
Coding change: c.7029+271G>A on transcript NM_004369.4 (MANE Select); 271 bases into the intron after coding-DNA position 7029, G replaced by A.
Molecular consequence: intron variant.
Genome position (GRCh38, 1-based): chr2:237,347,536, C>T on the plus strand (G>A on the coding strand, the complement: COL6A3 is on the minus strand). VCF-style: chr2-237347536-C-T. GRCh37 (hg19) VCF-style: chr2-238256179-C-T.
Other names: c.5208+271G>A (NM_057166.5); c.6411+271G>A (NM_057167.4).
Identifiers: ClinVar variation 673518 (VCV000673518.1), dbSNP rs77941529, ClinGen allele CA67842065.

ClinVar aggregate classification (germline): Benign (1 of 4 stars; one submission).

Allele frequency attached by ClinVar (database versions not stated): gnomAD 0.01858 and 0.01965; TOPMed 0.02064; 1000 Genomes Project 0.02316; 1000 Genomes Project 30x 0.02577.
gnomAD v4.1: 2,803 of 152,238 alleles (1.8%); highest among the groups gnomAD compares: African/African-American, 6.3%; 108 homozygotes.

Submission:

GeneDx
Classification: Benign. Last evaluated: 2018-06-16. Review status: criteria provided, single submitter. Criteria: GeneDx Variant Classification (06012015). Collection method: clinical testing. Allele origin: germline. Affected: yes.
Comment: This variant is considered likely benign or benign based on one or more of the following criteria: it is a conservative change, it occurs at a poorly conserved position in the protein, it is predicted to be benign by multiple in silico algorithms, and/or has population frequency not consistent with disease.